The following is an entry in ClinVar:

NM_000168.6(GLI3):c.3774C>G (p.Leu1258=)

Gene: GLI3 (GLI family zinc finger 3; minus strand). Cytogenetic location: 7p14.1.
Variant type: single nucleotide variant.
Coding change: c.3774C>G on transcript NM_000168.6 (MANE Select); coding-DNA position 3774, C replaced by G.
Protein change: p.Leu1258=; no amino-acid change (leucine 1258 retained).
Molecular consequence: synonymous variant.
Genome position (GRCh38, 1-based): chr7:41,965,299, G>C on the plus strand (C>G on the coding strand, the complement: GLI3 is on the minus strand). VCF-style: chr7-41965299-G-C. GRCh37 (hg19) VCF-style: chr7-42004897-G-C.
Identifiers: ClinVar variation 255438 (VCV000255438.23), dbSNP rs35448119, ClinGen allele CA4230268.

ClinVar aggregate classification (germline): Benign. Review status: criteria provided, multiple submitters, no conflicts (2 of 4 stars). 7 submissions from 5 submitters: Benign (7). Last evaluated 2026-01-15.

Conditions:
Polydactyly. Also called: polydactylism. Identifiers: MedGen C0152427, MONDO:0021003, OMIM 603596, HP:0010442.
Greig cephalopolysyndactyly syndrome (GCPS). Also called: GLI3-Related Greig Cephalopolysyndactyly Syndrome; POLYSYNDACTYLY WITH PECULIAR SKULL SHAPE; Greig syndrome. Identifiers: Orphanet 380, MedGen C0265306, MONDO:0008287, OMIM 175700.
Pallister-Hall syndrome (PHS). Also called: GLI3-Related Pallister-Hall Syndrome; HYPOTHALAMIC HAMARTOBLASTOMA, HYPOPITUITARISM, IMPERFORATE ANUS, AND POSTAXIAL POLYDACTYLY. Identifiers: Orphanet 672, MedGen C0265220, MONDO:0007804, OMIM 146510.

Allele frequency attached by ClinVar (database versions not stated): gnomAD exomes 0.00342; ExAC 0.00419; gnomAD 0.01273 and 0.01377; 1000 Genomes Project 0.01378; TOPMed 0.01398; 1000 Genomes Project 30x 0.01421; ESP Exome Variant Server 0.01499.
gnomAD v4.1: 3,821 of 1,613,882 alleles (0.24%); highest among the groups gnomAD compares: African/African-American, 4.6%; 86 homozygotes.

Submissions (7):

Labcorp Genetics (formerly Invitae), Labcorp
Classification: Benign for Pallister-Hall syndrome; Greig cephalopolysyndactyly syndrome. Last evaluated: 2026-01-15. Review status: criteria provided, single submitter. Criteria: Invitae Variant Classification Sherloc (09022015). Collection method: clinical testing. Allele origin: germline.

ARUP Laboratories, Molecular Genetics and Genomics, ARUP Laboratories
Classification: Benign. Last evaluated: 2023-10-09. Review status: criteria provided, single submitter. Criteria: ARUP Molecular Germline Variant Investigation Process 2024. Collection method: clinical testing. Allele origin: germline.

Illumina Laboratory Services, Illumina
Classification: Benign for Greig cephalopolysyndactyly syndrome. Last evaluated: 2018-01-13. Review status: criteria provided, single submitter. Criteria: ICSL Variant Classification Criteria 13 December 2019. Collection method: clinical testing. Allele origin: germline.
Comment: This variant was observed in the ICSL laboratory as part of a predisposition screen in an ostensibly healthy population. It had not been previously curated by ICSL or reported in the Human Gene Mutation Database (HGMD: prior to June 1st, 2018), and was therefore a candidate for classification through an automated scoring system. Utilizing variant allele frequency, disease prevalence and penetrance estimates, and inheritance mode, an automated score was calculated to assess if this variant is too frequent to cause the disease. Based on the score and internal cut-off values, a variant classified as benign is not then subjected to further curation. The score for this variant resulted in a classification of benign for this disease.

Illumina Laboratory Services, Illumina
Classification: Benign for Polydactyly. Last evaluated: 2018-01-13. Review status: criteria provided, single submitter. Criteria: ICSL Variant Classification Criteria 13 December 2019. Collection method: clinical testing. Allele origin: germline.
Comment: the same text as in the submission from Illumina Laboratory Services, Illumina above.

Illumina Laboratory Services, Illumina
Classification: Benign for Pallister-Hall syndrome. Last evaluated: 2018-01-13. Review status: criteria provided, single submitter. Criteria: ICSL Variant Classification Criteria 13 December 2019. Collection method: clinical testing. Allele origin: germline.
Comment: the same text as in the submission from Illumina Laboratory Services, Illumina above.

GeneDx
Classification: Benign. Last evaluated: 2015-03-03. Review status: criteria provided, single submitter. Criteria: GeneDx Variant Classification Process June 2021. Collection method: clinical testing. Allele origin: germline. Affected: yes.

PreventionGenetics, part of Exact Sciences
Classification: Benign. Review status: criteria provided, single submitter. Criteria: ACMG Guidelines, 2015. Collection method: clinical testing. Allele origin: germline.